The following is an entry in ClinVar:

ClinVar aggregate classification (germline): Pathogenic (1 of 4 stars; one submission).

Conditions:
Aspartylglucosaminuria (AGU). Also called: AGA DEFICIENCY; GLYCOASPARAGINASE; GLYCOSYLASPARAGINASE DEFICIENCY; Aspartylglucos-aminuria; Aspartylglucos-amidase (AGA) deficiency. Identifiers: Orphanet 93, MedGen C0268225, MONDO:0008830, OMIM 208400, HP:0012068.

Submission:

Labcorp Genetics (formerly Invitae), Labcorp
Classification: Pathogenic for Aspartylglucosaminuria. Last evaluated: 2022-09-23. Review status: criteria provided, single submitter. Criteria: Invitae Variant Classification Sherloc (09022015). Collection method: clinical testing. Allele origin: germline.
Comment: This variant is a gross deletion of the genomic region encompassing exon(s) 1 of the AGA gene, which includes the initiator codon. This deletion extends beyond the assayed region for this gene and therefore may encompass additional genes. It is expected to result in an absent or disrupted protein product. Loss-of-function variants in AGA are known to be pathogenic (PMID: 7627186, 11309371). This variant has not been reported in the literature in individuals affected with AGA-related conditions. For these reasons, this variant has been classified as Pathogenic.

Literature cited by the submitters: PubMed 7627186; PubMed 11309371.

NC_000004.11:g.(?_178363393)_(178363667_?)del

Gene: AGA (aspartylglucosaminidase; minus strand). Cytogenetic location: 4q34.3.
Variant type: Deletion.
Identifiers: ClinVar variation 1068996 (VCV001068996.2).